The following is an entry in ClinVar:

NM_000530.8(MPZ):c.303G>C (p.Trp101Cys)

Gene: MPZ (myelin protein zero; minus strand). Cytogenetic location: 1q23.3.
Variant type: single nucleotide variant.
Coding change: c.303G>C on transcript NM_000530.8 (MANE Select); coding-DNA position 303, G replaced by C.
Protein change: p.Trp101Cys; replaces tryptophan 101 with cysteine.
Molecular consequence: missense variant.
Genome position (GRCh38, 1-based): chr1:161,306,853, C>G on the plus strand (G>C on the coding strand, the complement: MPZ is on the minus strand). VCF-style: chr1-161306853-C-G. GRCh37 (hg19) VCF-style: chr1-161276643-C-G.
Other names: c.303G>C (NM_000530.7, LRG_256t1); c.303G>C, p.Trp101Cys (NM_001315491.2); short protein forms W101C.
Identifiers: ClinVar variation 637775 (VCV000637775.2), dbSNP rs1558154149, ClinGen allele CA343349506.
Genomic context (GRCh38, chr1:161,306,853, plus strand): 5'-GTCACTGTAGTCTAGGTTGTGTATGACAATGGAGCCATCCTTCCAGCGAGGGTCCCCTAC[C>G]CACTGGATGCGCTCTTTGAAGGTCCCCACCTCGTCAATGTAGGGTTGTCCCTTGGCATAG-3'
Protein context (NP_000521.2, residues 91-111): EVGTFKERIQ[Trp101Cys]VGDPRWKDGS

ClinVar aggregate classification (germline): Likely pathogenic. Review status: criteria provided, single submitter (1 of 4 stars). 2 submissions from 2 submitters: Likely pathogenic (1). 1 of the submissions does not count toward it. Last evaluated 2023-06-22.

Conditions:
MPZ-related disorder. Also called: MPZ-related disorders; MPZ-related condition.
Charcot-Marie-Tooth disease. Also called: Charcot-Marie-Tooth Neuropathy; Charcot-Marie-Tooth Hereditary Neuropathy. Identifiers: Orphanet 166, MedGen C0007959, MONDO:0015626.

Submissions (2):

Women's Health and Genetics/Laboratory Corporation of America, LabCorp
Classification: Likely pathogenic for MPZ-Related Disorders. Last evaluated: 2023-06-22. Review status: criteria provided, single submitter. Criteria: LabCorp Variant Classification Summary - May 2015. Collection method: clinical testing. Allele origin: germline.
Comment: Variant summary: MPZ c.303G>C (p.Trp101Cys) results in a non-conservative amino acid change located in the immunoglobulin subtype domain (IPR003599) of the encoded protein sequence. Three of five in-silico tools predict a benign effect of the variant on protein function. The variant was absent in 251492 control chromosomes (gnomAD). These data indicate that the variant may be associated with disease. To our knowledge, no experimental evidence demonstrating an impact on protein function has been reported. However, another variant affecting the same amino acid (c.301T>C, p.Trp101Arg) has been classified as likely pathogenic, suggesting Trp101 may be important for protein function. The following publication has been ascertained in the context of this evaluation (PMID: 7550231). No submitters have cited clinical-significance assessments for this variant to ClinVar after 2014. Based on the evidence outlined above, the variant was classified as likely pathogenic.

Inherited Neuropathy Consortium
Classification: Uncertain significance for Charcot-Marie-Tooth disease. Review status: no assertion criteria provided. Collection method: literature only. Allele origin: germline. Affected: yes. Not counted in ClinVar's aggregate classification.

Literature cited by the submitters: PubMed 7550231 (cited by Women's Health and Genetics/Laboratory Corporation of America, LabCorp and Inherited Neuropathy Consortium).